The following is an entry in ClinVar:

NM_004304.5(ALK):c.474dup (p.Gly159fs)

Gene: ALK (ALK receptor tyrosine kinase; minus strand). Cytogenetic location: 2p23.1.
Variant type: Duplication.
Coding change: c.474dup on transcript NM_004304.5 (MANE Select); coding-DNA position 474, one base duplicated (C; older notation c.474dupC).
Protein change: p.Gly159fs; shifts the reading frame from glycine 159.
Molecular consequence: frameshift variant.
Genome position (GRCh38, 1-based): chr2:29,920,186, G duplicated on the plus strand (C on the coding strand, the reverse complement: ALK is on the minus strand); the first of 6 consecutive G bases (chr2:29,920,186-29,920,191); duplicating any one gives the same sequence. VCF-style (leftmost placement, unchanged base first): chr2-29920185-C-CG. GRCh37 (hg19) VCF-style: chr2-30143051-C-CG.
Other names: c.474dupC (NM_004304.4); short protein forms G159fs.
Identifiers: ClinVar variation 1007159 (VCV001007159.7), dbSNP rs1244823020, ClinGen allele CA531769091.

ClinVar aggregate classification (germline): Conflicting classifications of pathogenicity. Review status: criteria provided, conflicting classifications (1 of 4 stars). 2 submissions from 2 submitters: Uncertain significance (1); Likely benign (1). Last evaluated 2025-07-16.

Conditions:
Hereditary cancer-predisposing syndrome. Also called: Hereditary neoplastic syndrome; Neoplastic Syndromes, Hereditary; Tumor predisposition; Hereditary Cancer Syndrome. Identifiers: Orphanet 140162, MedGen C0027672, MeSH D009386, MONDO:0015356.
Neuroblastoma, susceptibility to, 3. Also called: ALK-Related Neuroblastic Tumor Susceptibility. Identifiers: Orphanet 635, MedGen C2751681, MONDO:0013083, OMIM 613014.

Submissions (2):

Ambry Genetics
Classification: Likely benign for Hereditary cancer-predisposing syndrome. Last evaluated: 2025-07-16. Review status: criteria provided, single submitter. Criteria: Ambry Variant Classification Scheme 2023. Collection method: clinical testing. Allele origin: germline.

Labcorp Genetics (formerly Invitae), Labcorp
Classification: Uncertain significance for Neuroblastoma, susceptibility to, 3. Last evaluated: 2022-12-10. Review status: criteria provided, single submitter. Criteria: Invitae Variant Classification Sherloc (09022015). Collection method: clinical testing. Allele origin: germline.
Comment: This sequence change creates a premature translational stop signal (p.Gly159Argfs*67) in the ALK gene. It is expected to result in an absent or disrupted protein product. However, the current clinical and genetic evidence is not sufficient to establish whether loss-of-function variants in ALK cause disease. In summary, the available evidence is currently insufficient to determine the role of this variant in disease. Therefore, it has been classified as a Variant of Uncertain Significance. ClinVar contains an entry for this variant (Variation ID: 1007159). This variant has not been reported in the literature in individuals affected with ALK-related conditions. The frequency data for this variant in the population databases is considered unreliable, as metrics indicate poor data quality at this position in the gnomAD database.